The following is an entry in ClinVar:

NM_001776.6(ENTPD1):c.78C>G (p.Ile26Met)

Genes: ENTPD1 (ectonucleoside triphosphate diphosphohydrolase 1; plus strand), ENTPD1-AS1 (ENTPD1 antisense RNA 1; minus strand). Cytogenetic location: 10q24.1.
Variant type: single nucleotide variant.
Coding change: c.78C>G on transcript NM_001776.6 (MANE Select); coding-DNA position 78, C replaced by G.
Protein change: p.Ile26Met; replaces isoleucine 26 with methionine.
Molecular consequence: missense variant. On other transcripts: 5 prime UTR variant (2), intron variant (2).
Genome position (GRCh38, 1-based): chr10:95,823,298, C>G. VCF-style: chr10-95823298-C-G. GRCh37 (hg19) VCF-style: chr10-97583055-C-G.
Other names: c.99C>G, p.Ile33Met (NM_001098175.2); c.114C>G, p.Ile38Met (NM_001164178.1, NM_001320916.1); c.78C>G, p.Ile26Met (NM_001164179.2); c.-186C>G (NM_001164182.2); c.-68C>G (NM_001164183.2); c.-181+12492C>G (NM_001312654.1); c.-180-16393C>G (NM_001164181.1); short protein forms I33M, I26M, I38M.
Identifiers: ClinVar variation 1365381 (VCV001365381.6), dbSNP rs2140559554, ClinGen allele CA377821780.

ClinVar aggregate classification (germline): Uncertain significance (1 of 4 stars; one submission).

Conditions:
Hereditary spastic paraplegia 64. Also called: Spastic paraplegia 64, autosomal recessive; ENTPD1-Related Neurodevelopmental Disorder. Identifiers: Orphanet 401810, MedGen C3810289, MONDO:0014303, OMIM 615683.

Submission:

Labcorp Genetics (formerly Invitae), Labcorp
Classification: Uncertain significance for Hereditary spastic paraplegia 64. Last evaluated: 2021-09-10. Review status: criteria provided, single submitter. Criteria: Invitae Variant Classification Sherloc (09022015). Collection method: clinical testing. Allele origin: germline.
Comment: This sequence change replaces isoleucine with methionine at codon 26 of the ENTPD1 protein (p.Ile26Met). The isoleucine residue is moderately conserved and there is a small physicochemical difference between isoleucine and methionine. This variant is not present in population databases (ExAC no frequency). This variant has not been reported in the literature in individuals affected with ENTPD1-related conditions. Algorithms developed to predict the effect of missense changes on protein structure and function are either unavailable or do not agree on the potential impact of this missense change (SIFT: "Deleterious"; PolyPhen-2: "Benign"; Align-GVGD: "Class C0"). In summary, the available evidence is currently insufficient to determine the role of this variant in disease. Therefore, it has been classified as a Variant of Uncertain Significance.